The following is an entry in ClinVar:

NM_002485.5(NBN):c.1352A>G (p.Gln451Arg)

Gene: NBN (nibrin; minus strand). Cytogenetic location: 8q21.3.
Variant type: single nucleotide variant.
Coding change: c.1352A>G on transcript NM_002485.5 (MANE Select); coding-DNA position 1352, A replaced by G.
Protein change: p.Gln451Arg; replaces glutamine 451 with arginine.
Molecular consequence: missense variant.
Genome position (GRCh38, 1-based): chr8:89,955,328, T>C on the plus strand (A>G on the coding strand, the complement: NBN is on the minus strand). VCF-style: chr8-89955328-T-C. GRCh37 (hg19) VCF-style: chr8-90967556-T-C.
Other names: c.1106A>G, p.Gln369Arg (NM_001024688.3); short protein forms Q451R, Q369R.
Identifiers: ClinVar variation 481834 (VCV000481834.18), dbSNP rs1554559068, ClinGen allele CA371656047.

ClinVar aggregate classification (germline): Uncertain significance. Review status: criteria provided, multiple submitters, no conflicts (2 of 4 stars). 4 submissions from 4 submitters: Uncertain significance (4). Last evaluated 2024-03-26.

Conditions:
Hereditary cancer-predisposing syndrome. Also called: Hereditary neoplastic syndrome; Neoplastic Syndromes, Hereditary; Tumor predisposition; Hereditary Cancer Syndrome. Identifiers: Orphanet 140162, MedGen C0027672, MeSH D009386, MONDO:0015356.
Aplastic anemia. Identifiers: Orphanet 182040, Orphanet 88, MedGen C0002874, MONDO:0015909, OMIM 609135, HP:0001915.
Microcephaly, normal intelligence and immunodeficiency (NBS). Also called: IMMUNODEFICIENCY, MICROCEPHALY, AND CHROMOSOMAL INSTABILITY; SEEMANOVA SYNDROME II; Nijmegen breakage syndrome; Microcephaly with normal intelligence immunodeficiency and lymphoreticular malignancies; Nonsyndromal microcephaly autosomal recessive with normal intelligence; Seemanova syndrome 2. Identifiers: Orphanet 647, MedGen C0398791, MONDO:0009623, OMIM 251260.

Submissions (4):

Baylor Genetics
Classification: Uncertain significance for Aplastic anemia. Last evaluated: 2024-03-26. Review status: criteria provided, single submitter. Criteria: ACMG Guidelines, 2015. Collection method: clinical testing. Allele origin: unknown.

Labcorp Genetics (formerly Invitae), Labcorp
Classification: Uncertain significance for Microcephaly, normal intelligence and immunodeficiency. Last evaluated: 2022-12-31. Review status: criteria provided, single submitter. Criteria: Invitae Variant Classification Sherloc (09022015). Collection method: clinical testing. Allele origin: germline.
Comment: This variant has not been reported in the literature in individuals affected with NBN-related conditions. This variant is not present in population databases (gnomAD no frequency). This sequence change replaces glutamine, which is neutral and polar, with arginine, which is basic and polar, at codon 451 of the NBN protein (p.Gln451Arg). ClinVar contains an entry for this variant (Variation ID: 481834). In summary, the available evidence is currently insufficient to determine the role of this variant in disease. Therefore, it has been classified as a Variant of Uncertain Significance. Algorithms developed to predict the effect of missense changes on protein structure and function are either unavailable or do not agree on the potential impact of this missense change (SIFT: "Tolerated"; PolyPhen-2: "Probably Damaging"; Align-GVGD: "Class C0").

Genome-Nilou Lab
Classification: Uncertain significance for Microcephaly, normal intelligence and immunodeficiency. Last evaluated: 2021-11-07. Review status: criteria provided, single submitter. Criteria: ACMG Guidelines, 2015. Collection method: clinical testing. Allele origin: germline. Affected: no.

Ambry Genetics
Classification: Uncertain significance for Hereditary cancer-predisposing syndrome. Last evaluated: 2016-02-04. Review status: criteria provided, single submitter. Criteria: Ambry Variant Classification Scheme 2023. Collection method: clinical testing. Allele origin: germline.
Comment: The p.Q451R variant (also known as c.1352A>G), located in coding exon 10 of the NBN gene, results from an A to G substitution at nucleotide position 1352. The glutamine at codon 451 is replaced by arginine, an amino acid with highly similar properties. This variant was not reported in population based cohorts in the following databases: Database of Single Nucleotide Polymorphisms (dbSNP), NHLBI Exome Sequencing Project (ESP), and 1000 Genomes Project. In the ESP, this variant was not observed in 6503 samples (13006 alleles) with coverage at this position. To date, this alteration has been detected with an allele frequency of approximately 0.001% (greater than 175000 alleles tested) in our clinical cohort. This amino acid position is well conserved in available vertebrate species. In addition, this alteration is predicted to be tolerated by in silico analysis. Since supporting evidence is limited at this time, the clinical significance of this alteration remains unclear.